The following is an entry in ClinVar:

NM_000780.4(CYP7A1):c.1333C>T (p.Pro445Ser)

Gene: CYP7A1 (cytochrome P450 family 7 subfamily A member 1; minus strand). Cytogenetic location: 8q12.1.
Variant type: single nucleotide variant.
Coding change: c.1333C>T on transcript NM_000780.4 (MANE Select); coding-DNA position 1333, C replaced by T.
Protein change: p.Pro445Ser; replaces proline 445 with serine.
Molecular consequence: missense variant.
Genome position (GRCh38, 1-based): chr8:58,491,657, G>A on the plus strand (C>T on the coding strand, the complement: CYP7A1 is on the minus strand). VCF-style: chr8-58491657-G-A. GRCh37 (hg19) VCF-style: chr8-59404216-G-A.
Other names: short protein forms P445S.
Identifiers: ClinVar variation 4779496 (VCV004779496.1).

ClinVar aggregate classification (germline): Uncertain significance (1 of 4 stars; one submission).

Submission:

Labcorp Genetics (formerly Invitae), Labcorp
Classification: Uncertain significance. Last evaluated: 2025-04-21. Review status: criteria provided, single submitter. Criteria: Invitae Variant Classification Sherloc (09022015). Collection method: clinical testing. Allele origin: germline.
Comment: This sequence change replaces proline, which is neutral and non-polar, with serine, which is neutral and polar, at codon 445 of the CYP7A1 protein (p.Pro445Ser). This variant is not present in population databases (gnomAD no frequency). This variant has not been reported in the literature in individuals affected with CYP7A1-related conditions. Invitae Evidence Modeling of protein sequence and biophysical properties (such as structural, functional, and spatial information, amino acid conservation, physicochemical variation, residue mobility, and thermodynamic stability) indicates that this missense variant is expected to disrupt CYP7A1 protein function with a positive predictive value of 80%. In summary, the available evidence is currently insufficient to determine the role of this variant in disease. Therefore, it has been classified as a Variant of Uncertain Significance.